The following is an entry in ClinVar:

ClinVar aggregate classification (germline): Conflicting classifications of pathogenicity. Review status: criteria provided, conflicting classifications (1 of 4 stars). 2 submissions from 2 submitters: Uncertain significance (1); Likely benign (1). Last evaluated 2025-08-30.

Conditions:
Hereditary cancer-predisposing syndrome. Also called: Neoplastic Syndromes, Hereditary; Tumor predisposition; Hereditary neoplastic syndrome; Hereditary Cancer Syndrome. Identifiers: Orphanet 140162, MedGen C0027672, MeSH D009386, MONDO:0015356.
Oligodontia-cancer predisposition syndrome. Also called: TOOTH AGENESIS-COLORECTAL CANCER SYNDROME. Identifiers: Orphanet 300576, MedGen C1837750, MONDO:0012075, OMIM 608615. Disease mechanism: loss of function.

Allele frequency attached by ClinVar (database versions not stated): gnomAD 0.00001; gnomAD exomes 0.00002; ExAC 0.00004.

Submissions (2):

Labcorp Genetics (formerly Invitae), Labcorp
Classification: Uncertain significance for Oligodontia-cancer predisposition syndrome. Last evaluated: 2025-08-30. Review status: criteria provided, single submitter. Criteria: Invitae Variant Classification Sherloc (09022015). Collection method: clinical testing. Allele origin: germline.
Comment: This sequence change replaces arginine, which is basic and polar, with histidine, which is basic and polar, at codon 650 of the AXIN2 protein (p.Arg650His). This variant is present in population databases (rs199719878, gnomAD 0.01%). This variant has not been reported in the literature in individuals affected with AXIN2-related conditions. ClinVar contains an entry for this variant (Variation ID: 644654). Invitae Evidence Modeling of protein sequence and biophysical properties (such as structural, functional, and spatial information, amino acid conservation, physicochemical variation, residue mobility, and thermodynamic stability) indicates that this missense variant is not expected to disrupt AXIN2 protein function with a negative predictive value of 80%. In summary, the available evidence is currently insufficient to determine the role of this variant in disease. Therefore, it has been classified as a Variant of Uncertain Significance.

Ambry Genetics
Classification: Likely benign for Hereditary cancer-predisposing syndrome. Last evaluated: 2023-10-24. Review status: criteria provided, single submitter. Criteria: Ambry Variant Classification Scheme 2023. Collection method: clinical testing. Allele origin: germline.

NM_004655.4(AXIN2):c.1949G>A (p.Arg650His)

Gene: AXIN2 (axin 2; minus strand). Cytogenetic location: 17q24.1.
Variant type: single nucleotide variant.
Coding change: c.1949G>A on transcript NM_004655.4 (MANE Select); coding-DNA position 1949, G replaced by A.
Protein change: p.Arg650His; replaces arginine 650 with histidine.
Molecular consequence: missense variant.
Genome position (GRCh38, 1-based): chr17:65,536,512, C>T on the plus strand (G>A on the coding strand, the complement: AXIN2 is on the minus strand). VCF-style: chr17-65536512-C-T. GRCh37 (hg19) VCF-style: chr17-63532630-C-T.
Other names: c.1754G>A, p.Arg585His (NM_001363813.1); c.1949G>A (LRG_296t1); short protein forms R585H, R650H.
Identifiers: ClinVar variation 644654 (VCV000644654.9), dbSNP rs199719878, ClinGen allele CA8718450.